The following is an entry in ClinVar:

ClinVar aggregate classification (germline): Conflicting classifications of pathogenicity. Review status: criteria provided, conflicting classifications (1 of 4 stars). 4 submissions from 4 submitters: Uncertain significance (1); Likely benign (2). 1 of the submissions does not count toward it. Last evaluated 2025-12-03.

Conditions:
FRAS1-related disorder. Also called: FRAS1-related condition.
Fraser syndrome 1 (FRASRS1). Also called: CRYPTOPHTHALMOS WITH OTHER MALFORMATIONS. Identifiers: Orphanet 2052, MedGen C4551480, MONDO:0054737, OMIM 219000.

Allele frequency attached by ClinVar (database versions not stated): gnomAD exomes 0.00005 and 0.00015; ExAC 0.00008; gnomAD 0.00010 and 0.00011; TOPMed 0.00015; ESP Exome Variant Server 0.00016.
gnomAD v4.1: 241 of 1,562,464 alleles (0.015%); highest among the groups gnomAD compares: Non-Finnish European, 0.019%; no homozygotes.

Submissions (4):

Labcorp Genetics (formerly Invitae), Labcorp
Classification: Likely benign. Last evaluated: 2025-12-03. Review status: criteria provided, single submitter. Criteria: Invitae Variant Classification Sherloc (09022015). Collection method: clinical testing. Allele origin: germline.

Blueprint Genetics
Classification: Likely benign. Last evaluated: 2023-12-11. Review status: criteria provided, single submitter. Criteria: ACMG Guidelines, 2015. Collection method: clinical testing. Allele origin: germline.

Illumina Laboratory Services, Illumina
Classification: Uncertain significance for Fraser syndrome 1. Last evaluated: 2018-01-12. Review status: criteria provided, single submitter. Criteria: ICSL Variant Classification Criteria 13 December 2019. Collection method: clinical testing. Allele origin: germline.

PreventionGenetics, part of Exact Sciences
Classification: Likely benign for FRAS1-related condition. Last evaluated: 2019-09-13. Review status: no assertion criteria provided. Collection method: clinical testing. Allele origin: germline. Not counted in ClinVar's aggregate classification.
Comment: This variant is classified as likely benign based on ACMG/AMP sequence variant interpretation guidelines (Richards et al. 2015 PMID: 25741868, with internal and published modifications).

NM_025074.7(FRAS1):c.4737G>A (p.Pro1579=)

Gene: FRAS1 (Fraser extracellular matrix complex subunit 1; plus strand). Cytogenetic location: 4q21.21.
Variant type: single nucleotide variant.
Coding change: c.4737G>A on transcript NM_025074.7 (MANE Select); coding-DNA position 4737, G replaced by A.
Protein change: p.Pro1579=; no amino-acid change (proline 1579 retained).
Molecular consequence: synonymous variant.
Genome position (GRCh38, 1-based): chr4:78,429,120, G>A. VCF-style: chr4-78429120-G-A. GRCh37 (hg19) VCF-style: chr4-79350274-G-A.
Other names: c.4737G>A, p.Pro1579= (NM_001166133.2).
Identifiers: ClinVar variation 349718 (VCV000349718.11), dbSNP rs373137263, ClinGen allele CA2977319.
Genomic context (GRCh38, chr4:78,429,120, plus strand): 5'-GTGTCTCTGTGTGTGTGTGCATTTATCCTTTTTAGTTTCAGATGGAGAACACACAAGTCC[G>A]GAGATGGTCCTCACCATTCACTTACTTCCCAGTGATCAGCAACTGCCAGTGTTCCAGGTC-3'
Protein context (NP_079350.5, residues 1569-1589): FTVSDGEHTS[Pro1579=]EMVLTIHLLP